The following is an entry in ClinVar:

NM_017780.4(CHD7):c.7167A>G (p.Glu2389=)

Gene: CHD7 (chromodomain helicase DNA binding protein 7; plus strand). Cytogenetic location: 8q12.2.
Variant type: single nucleotide variant.
Coding change: c.7167A>G on transcript NM_017780.4 (MANE Select); coding-DNA position 7167, A replaced by G.
Protein change: p.Glu2389=; no amino-acid change (glutamic acid 2389 retained).
Molecular consequence: synonymous variant. On other transcripts: intron variant (1).
Genome position (GRCh38, 1-based): chr8:60,856,447, A>G. VCF-style: chr8-60856447-A-G. GRCh37 (hg19) VCF-style: chr8-61769006-A-G.
Other names: c.1717-5782A>G (NM_001316690.1).
Identifiers: ClinVar variation 3905368 (VCV003905368.10).
Genomic context (GRCh38, chr8:60,856,447, plus strand): 5'-CATATAGCAGTACTGTTTTGGCTCACTGCAACTCTGTTCTGTTGGAATTTTTCAATAGGA[A>G]GATGCCCTCAACCTCTCTGTCCCTCGCCAGCGGAGGAGGAGGAGGAGAAAAATCGAAATT-3'
Protein context (NP_060250.2, residues 2379-2399): DITTSPQLSK[Glu2389=]DALNLSVPRQ

ClinVar aggregate classification (germline): Likely benign (1 of 4 stars; one submission).

Submission:

CeGaT Center for Human Genetics Tuebingen
Classification: Likely benign. Last evaluated: 2025-05-01. Review status: criteria provided, single submitter. Criteria: CeGaT Center For Human Genetics Tuebingen Variant Classification Criteria Version 2. Collection method: clinical testing. Allele origin: germline. Affected: yes. Observed: 1 variant allele.
Comment: CHD7: PM2:Supporting, BP4, BP7